The following is an entry in ClinVar:

ClinVar aggregate classification (germline): Benign/Likely benign. Review status: criteria provided, single submitter (1 of 4 stars). 5 submissions from 1 submitter: Benign (3); Likely benign (2). Last evaluated 2018-01-13.

Conditions:
Achondrogenesis, type IB (ACG1B). Also called: Achondrogenesis Type 1B. Identifiers: Orphanet 932, Orphanet 93298, MedGen C0265274, MONDO:0010966, OMIM 600972.
Sulfate transporter-related osteochondrodysplasia. Also called: DTDST-related dysplasias. Identifiers: MedGen CN120497. Disease mechanism: loss of function.
Atelosteogenesis type II (AO2). Also called: NEONATAL OSSEOUS DYSPLASIA I; Neonatal osseous dysplasia 1; SLC26A2-Related Atelosteogenesis. Identifiers: Orphanet 56304, MedGen C1850554, MONDO:0009727, OMIM 256050.
Diastrophic dysplasia (DTD). Also called: Diastrophic dwarfism. Identifiers: Orphanet 628, MedGen C0220726, MONDO:0009107, OMIM 222600.
Multiple epiphyseal dysplasia type 4 (EDM4). Also called: MULTIPLE EPIPHYSEAL DYSPLASIA WITH BILAYERED PATELLAE; MULTIPLE EPIPHYSEAL DYSPLASIA WITH CLUBFOOT; MULTIPLE EPIPHYSEAL DYSPLASIA, AUTOSOMAL RECESSIVE; SLC26A2-Related Multiple Epiphyseal Dysplasia; Multiple Epiphyseal Dysplasia, Recessive. Identifiers: Orphanet 93307, MedGen C1847593, MONDO:0009189, OMIM 226900.

Allele frequency attached by ClinVar (database versions not stated): gnomAD 0.00636 and 0.00675; TOPMed 0.00712; 1000 Genomes Project 0.00859; 1000 Genomes Project 30x 0.00859.
gnomAD v4.1: 957 of 152,244 alleles (0.63%); highest among the groups gnomAD compares: African/African-American, 2.1%; 8 homozygotes.

Submissions (5):

Illumina Laboratory Services, Illumina
Classification: Benign for Achondrogenesis, type IB. Last evaluated: 2018-01-13. Review status: criteria provided, single submitter. Criteria: ICSL Variant Classification Criteria 13 December 2019. Collection method: clinical testing. Allele origin: germline.
Comment: This variant was observed in the ICSL laboratory as part of a predisposition screen in an ostensibly healthy population. It had not been previously curated by ICSL or reported in the Human Gene Mutation Database (HGMD: prior to June 1st, 2018), and was therefore a candidate for classification through an automated scoring system. Utilizing variant allele frequency, disease prevalence and penetrance estimates, and inheritance mode, an automated score was calculated to assess if this variant is too frequent to cause the disease. Based on the score and internal cut-off values, a variant classified as benign is not then subjected to further curation. The score for this variant resulted in a classification of benign for this disease.

Illumina Laboratory Services, Illumina
Classification: Benign for Diastrophic dysplasia. Last evaluated: 2018-01-13. Review status: criteria provided, single submitter. Criteria: ICSL Variant Classification Criteria 13 December 2019. Collection method: clinical testing. Allele origin: germline.
Comment: the same text as in the submission from Illumina Laboratory Services, Illumina above.

Illumina Laboratory Services, Illumina
Classification: Benign for Atelosteogenesis type II. Last evaluated: 2018-01-13. Review status: criteria provided, single submitter. Criteria: ICSL Variant Classification Criteria 13 December 2019. Collection method: clinical testing. Allele origin: germline.
Comment: the same text as in the submission from Illumina Laboratory Services, Illumina above.

Illumina Laboratory Services, Illumina
Classification: Likely benign for Multiple epiphyseal dysplasia type 4. Last evaluated: 2018-01-13. Review status: criteria provided, single submitter. Criteria: ICSL Variant Classification Criteria 13 December 2019. Collection method: clinical testing. Allele origin: germline.
Comment: This variant was observed in the ICSL laboratory as part of a predisposition screen in an ostensibly healthy population. It had not been previously curated by ICSL or reported in the Human Gene Mutation Database (HGMD: prior to June 1st, 2018), and was therefore a candidate for classification through an automated scoring system. Utilizing variant allele frequency, disease prevalence and penetrance estimates, and inheritance mode, an automated score was calculated to assess if this variant is too frequent to cause the disease. Based on the score and internal cut-off values, a variant classified as likely benign is not then subjected to further curation. The score for this variant resulted in a classification of likely benign for this disease.

Illumina Laboratory Services, Illumina
Classification: Likely benign for Osteochondrodysplasia. Last evaluated: 2018-01-13. Review status: criteria provided, single submitter. Criteria: ICSL Variant Classification Criteria 13 December 2019. Collection method: clinical testing. Allele origin: germline.
Comment: the same text as in the submission from Illumina Laboratory Services, Illumina above.

NM_000112.4(SLC26A2):c.*1552G>C

Gene: SLC26A2 (solute carrier family 26 member 2; plus strand). Cytogenetic location: 5q32.
Variant type: single nucleotide variant.
Coding change: c.*1552G>C on transcript NM_000112.4 (MANE Select); 1552 bases downstream of the stop codon, G replaced by C.
Molecular consequence: 3 prime UTR variant.
Genome position (GRCh38, 1-based): chr5:149,983,365, G>C. VCF-style: chr5-149983365-G-C. GRCh37 (hg19) VCF-style: chr5-149362928-G-C.
Identifiers: ClinVar variation 352052 (VCV000352052.5), dbSNP rs143723917, ClinGen allele CA10623495.
Genomic context (GRCh38, chr5:149,983,365, plus strand): 5'-CATTTGGTGACATGGAAAATACCTTTCCATTATCACAACAAAGCAGTTGCTCAGTAGAAA[G>C]TCTAGATTTCTGTCTTATAGGTGATTTCTGTCTTATAGGTGATTATAATCAAGTGTAGGC-3'